The following is an entry in ClinVar:

ClinVar aggregate classification (germline): Likely pathogenic (1 of 4 stars; one submission).

Submission:

GeneDx
Classification: Likely pathogenic. Last evaluated: 2016-11-03. Review status: criteria provided, single submitter. Criteria: GeneDx Variant Classification (06012015). Collection method: clinical testing. Allele origin: germline. Affected: yes.
Comment: The c.362_398del37 variant in the GJC2 gene has not been reported previously as a pathogenic variant nor as a benign variant, to our knowledge. The c.362_398del37 variant causes a frameshift starting with codon Arginine 121, changes this amino acid to a Proline residue, and creates a premature Stop codon at position 77 of the new reading frame, denoted p.Arg121ProfsX77. This variant is predicted to cause loss of normal protein function through protein truncation. The c.362_398del37 variant was not observed in approximately 2900 individuals of European and African American ancestry in the NHLBI Exome Sequencing Project, indicating it is not a common benign variant in these populations. We interpret c.362_398del37 as a likely pathogenic variant.

NM_020435.4(GJC2):c.362_398del (p.Arg121fs)

Gene: GJC2 (gap junction protein gamma 2; plus strand). Cytogenetic location: 1q42.13.
Variant type: Deletion.
Coding change: c.362_398del on transcript NM_020435.4 (MANE Select); coding-DNA positions 362 to 398, 37 bases deleted.
Protein change: p.Arg121fs; shifts the reading frame from arginine 121.
Molecular consequence: frameshift variant.
Genome position (GRCh38, 1-based): chr1:228,158,120-228,158,156, 37 bases deleted; deleting any 37 consecutive bases within chr1:228,158,119-228,158,156 gives the same sequence; the c. name uses the placement nearest the transcript's 3' end. GRCh37 (hg19): chr1:228,345,821-228,345,857.
Other names: c.362_398delGCCGCGCGCCCCGAGCGCACCTGCCGCCCCCGCACGC (NM_020435.3); short protein forms R121fs.
Identifiers: ClinVar variation 422570 (VCV000422570.2), dbSNP rs1064795867, ClinGen allele CA16617080.